The following is an entry in ClinVar:

ClinVar aggregate classification (germline): Likely benign. Review status: criteria provided, single submitter (1 of 4 stars). 2 submissions from 2 submitters: Likely benign (1). 1 of the submissions does not count toward it. Last evaluated 2025-04-22.

Conditions:
POLG-related disorder. Also called: POLG-Related Spectrum Disorders; POLG-related condition; POLG-Related Disorders. Identifiers: MedGen C4763519.
Progressive sclerosing poliodystrophy (MTDPS4A). Also called: NEURONAL DEGENERATION OF CHILDHOOD WITH LIVER DISEASE, PROGRESSIVE; ALPERS PROGRESSIVE INFANTILE POLIODYSTROPHY; Alpers-Huttenlocher Syndrome (AHS); Mitochondrial DNA depletion syndrome 4A (Alpers type); Mitochondrial DNA Depletion Syndrome 4A; Alpers Syndrome. Identifiers: Orphanet 726, MedGen C0205710, MONDO:0008758, OMIM 203700.

Allele frequency attached by ClinVar (database versions not stated): TOPMed 0.00002.
gnomAD v4.1: 8 of 1,611,852 alleles (0.0005%); highest among the groups gnomAD compares: Middle Eastern, 0.016%; no homozygotes.

Submissions (2):

Labcorp Genetics (formerly Invitae), Labcorp
Classification: Likely benign for Progressive sclerosing poliodystrophy. Last evaluated: 2025-04-22. Review status: criteria provided, single submitter. Criteria: Invitae Variant Classification Sherloc (09022015). Collection method: clinical testing. Allele origin: germline.

PreventionGenetics, part of Exact Sciences
Classification: Likely benign for POLG-related condition. Last evaluated: 2019-05-20. Review status: no assertion criteria provided. Collection method: clinical testing. Allele origin: germline. Not counted in ClinVar's aggregate classification.
Comment: This variant is classified as likely benign based on ACMG/AMP sequence variant interpretation guidelines (Richards et al. 2015 PMID: 25741868, with internal and published modifications).

NM_002693.3(POLG):c.1752A>G (p.Ala584=)

Gene: POLG (DNA polymerase gamma, catalytic subunit; minus strand). Cytogenetic location: 15q26.1.
Variant type: single nucleotide variant.
Coding change: c.1752A>G on transcript NM_002693.3 (MANE Select); coding-DNA position 1752, A replaced by G.
Protein change: p.Ala584=; no amino-acid change (alanine 584 retained).
Molecular consequence: synonymous variant.
Genome position (GRCh38, 1-based): chr15:89,325,647, T>C on the plus strand (A>G on the coding strand, the complement: POLG is on the minus strand). VCF-style: chr15-89325647-T-C. GRCh37 (hg19) VCF-style: chr15-89868878-T-C.
Other names: c.1752A>G, p.Ala584= (NM_001126131.2).
Identifiers: ClinVar variation 458696 (VCV000458696.12), dbSNP rs150929445, ClinGen allele CA492289511.